The following is an entry in ClinVar:

NM_000352.6(ABCC8):c.1643_1644insT (p.Ala549fs)

Gene: ABCC8 (ATP binding cassette subfamily C member 8; minus strand). Cytogenetic location: 11p15.1.
Variant type: Insertion.
Coding change: c.1643_1644insT on transcript NM_000352.6 (MANE Select); coding-DNA positions 1643 to 1644, T inserted.
Protein change: p.Ala549fs; shifts the reading frame from alanine 549.
Molecular consequence: frameshift variant. On other transcripts: non-coding transcript variant (1).
Genome position: GRCh38 VCF-style: chr11-17432231-C-CA. GRCh37 (hg19) VCF-style: chr11-17453778-C-CA.
Other names: c.1643_1644insT, p.Ala549fs (NM_001287174.3, NM_001351295.2); c.1640_1641insT, p.Ala548fs (NM_001351296.2, NM_001351297.2); short protein forms A548fs, A549fs.
Identifiers: ClinVar variation 5012895 (VCV005012895.1).

ClinVar aggregate classification (germline): Pathogenic (1 of 4 stars; one submission).

Conditions:
Hyperinsulinemic hypoglycemia, familial, 1 (HHF1). Also called: HYPERINSULINISM, FAMILIAL, WITH PANCREATIC NESIDIOBLASTOSIS; HYPOGLYCEMIA, HYPERINSULINEMIC, OF INFANCY; NESIDIOBLASTOSIS OF PANCREAS; Persistent Hyperinsulinemia Hypoglycemia of Infancy; Persistent hyperinsulinemic hypoglycemia of infancy. Identifiers: Orphanet 276575, Orphanet 276598, MedGen C2931832, MONDO:0009734, OMIM 256450.

Submission:

Myriad Genetics, Inc.
Classification: Pathogenic for Hyperinsulinemic hypoglycemia, familial, 1. Last evaluated: 2024-04-05. Review status: criteria provided, single submitter. Criteria: Myriad Autosomal Dominant, Autosomal Recessive and X-Linked Classification Criteria (2023). Collection method: clinical testing. Allele origin: unknown.
Comment: NM_000352.3(ABCC8):c.1643_1644insT(A549Gfs*73) is expected to be pathogenic in the context of familial hyperinsulinism, ABCC8-related. This variant is predicted to lead to an abnormal or absent protein product due to the creation of a premature termination codon in ABCC8, a gene where loss-of-function variants are known to be pathogenic. Please note: this variant was assessed in the context of healthy population screening.